The following is an entry in ClinVar:

NM_000059.4(BRCA2):c.2976del (p.Lys992fs)

Gene: BRCA2 (BRCA2 DNA repair associated; plus strand). Cytogenetic location: 13q13.1.
Variant type: Deletion.
Coding change: c.2976del on transcript NM_000059.4 (MANE Select); coding-DNA position 2976, one base deleted (A; older notation c.2976delA).
Protein change: p.Lys992fs; shifts the reading frame from lysine 992.
Molecular consequence: frameshift variant.
Genome position (GRCh38, 1-based): chr13:32,337,331, A deleted; the last of 3 consecutive A bases (chr13:32,337,329-32,337,331); deleting any one gives the same sequence. VCF-style (leftmost placement, unchanged base first): chr13-32337328-CA-C. GRCh37 (hg19) VCF-style: chr13-32911465-CA-C.
Other names: c.2976delA (NM_000059.4, NM_000059.3); short protein forms K992fs.
Identifiers: ClinVar variation 409433 (VCV000409433.18), dbSNP rs1060502391, ClinGen allele CA16614126.
Genomic context (GRCh38, chr13:32,337,328, plus strand): 5'-AAAATCGGACATCTCCTTGAATATAGATAAAATACCAGAAAAAAATAATGATTACATGAA[CA>C]AATGGGCAGGACTCTTAGGTCCAATTTCAAATCACAGTTTTGGAGGTAGCTTCAGAACAG-3'

ClinVar aggregate classification (germline): Pathogenic. Review status: reviewed by expert panel (3 of 4 stars). 8 submissions from 8 submitters: Pathogenic (1). 7 of the submissions do not count toward it. Last evaluated 2017-12-15.

Conditions:
Familial prostate cancer. Also called: Hereditary Prostate Cancer. Identifiers: MedGen C2931456, MONDO:0700275, OMIM 176807.
Familial cancer of breast. Also called: hereditary breast carcinoma; BREAST CANCER, FAMILIAL; Hereditary breast cancer. Identifiers: Orphanet 227535, MedGen C0346153, MONDO:0016419, OMIM 114480. Disease mechanism: loss of function.
Breast-ovarian cancer, familial, susceptibility to, 2 (BROVCA2). Also called: BRCA2 Hereditary Breast and Ovarian Cancer. Identifiers: Orphanet 145, MedGen C2675520, MONDO:0012933, OMIM 612555. Disease mechanism: loss of function.
Medulloblastoma (MDB). Also called: Medulloblastoma, somatic; MEDULLOBLASTOMA PREDISPOSITION SYNDROME. Identifiers: Orphanet 616, MedGen C0025149, MeSH D008527, MONDO:0007959, OMIM 155255, HP:0002885.
Wilms tumor 1 (WT1). Also called: Wilms tumor, somatic. Identifiers: Orphanet 654, MedGen CN033288, MONDO:0008679, OMIM 194070.
Pancreatic cancer, susceptibility to, 2. Identifiers: Orphanet 1333, MedGen C3150546, MONDO:0013235, OMIM 613347.
Glioma susceptibility 3 (GLM3). Also called: Glioblastoma 3. Identifiers: Orphanet 182067, Orphanet 360, MedGen C2751641, MONDO:0013093, OMIM 613029.
Fanconi anemia complementation group D1. Also called: BRCA2-Related Fanconi Anemia. Identifiers: Orphanet 319462, MedGen C1838457, MONDO:0011584, OMIM 605724.
Inherited breast cancer and ovarian cancer.
Hereditary cancer-predisposing syndrome. Also called: Hereditary Cancer Syndrome; Tumor predisposition; Neoplastic Syndromes, Hereditary; Hereditary neoplastic syndrome. Identifiers: Orphanet 140162, MedGen C0027672, MeSH D009386, MONDO:0015356.
Hereditary breast ovarian cancer syndrome. Also called: Breast and ovarian cancer; Hereditary breast and ovarian cancer syndrome; BRCA1- and BRCA2-Associated Hereditary Breast and Ovarian Cancer; Hereditary breast and ovarian cancer syndrome (HBOC); Hereditary breast and/or ovarian cancer syndrome; Hereditary breast and ovarian cancer. Identifiers: Orphanet 145, MedGen C0677776, MeSH D061325, MONDO:0003582. Disease mechanism: loss of function.

Submissions (8):

Evidence-based Network for the Interpretation of Germline Mutant Alleles (ENIGMA)
Classification: Pathogenic for Breast-ovarian cancer, familial, susceptibility to, 2. Last evaluated: 2017-12-15. Review status: reviewed by expert panel. Criteria: ENIGMA BRCA1/2 Classification Criteria (2017-06-29). Collection method: curation. Allele origin: germline. Study: ENIGMA.
Comment: Variant allele predicted to encode a truncated non-functional protein.

Genetics Laboratory, Great Ormond Street Hospital NHS Foundation Trust, North Thames Genomic Laboratory Hub
Classification: Pathogenic for Inherited breast cancer and ovarian cancer. Last evaluated: 2026-03-17. Review status: criteria provided, single submitter. Criteria: CanVIG BRCA Gene Specific V1.22. Collection method: clinical testing. Allele origin: germline. Affected: yes. Not counted in ClinVar's aggregate classification.
Comment: PS4_supporting, PM2_moderate, PVS1_very-strong, PM5_strong

Women's Health and Genetics/Laboratory Corporation of America, LabCorp
Classification: Pathogenic for Hereditary breast ovarian cancer syndrome. Last evaluated: 2026-02-06. Review status: criteria provided, single submitter. Criteria: LabCorp Variant Classification Summary - May 2015. Collection method: clinical testing. Allele origin: germline. Not counted in ClinVar's aggregate classification.
Comment: Variant summary: BRCA2 c.2976delA (p.Lys992AsnfsX6) results in a premature termination codon, predicted to cause a truncation of the encoded protein or absence of the protein due to nonsense mediated decay, which are commonly known mechanisms for disease. The variant was absent in 250410 control chromosomes. c.2976delA has been observed in individuals affected with breast cancer (e.g. Ahearn_2022). These data indicate that the variant is likely associated with disease. To our knowledge, no experimental evidence demonstrating an impact on protein function has been reported. The following publication has been ascertained in the context of this evaluation (PMID: 35654374). ClinVar contains an entry for this variant (Variation ID: 409433). Based on the evidence outlined above, the variant was classified as pathogenic.

Quest Diagnostics Nichols Institute San Juan Capistrano
Classification: Likely pathogenic. Last evaluated: 2025-07-08. Review status: criteria provided, single submitter. Criteria: Quest Diagnostics criteria. Collection method: clinical testing. Allele origin: unknown. Not counted in ClinVar's aggregate classification.
Comment: The BRCA2 c.2976del (p.Lys992Asnfs*6) variant alters the translational reading frame of the BRCA2 mRNA and is predicted to cause the premature termination of BRCA2 protein synthesis. This variant has not been reported in individuals with BRCA2-related conditions in the published literature. This variant has not been reported in large, multi-ethnic general populations (Genome Aggregation Database). Based on the available information, this variant is classified as likely pathogenic.

Labcorp Genetics (formerly Invitae), Labcorp
Classification: Pathogenic for Hereditary breast ovarian cancer syndrome. Last evaluated: 2025-05-23. Review status: criteria provided, single submitter. Criteria: Invitae Variant Classification Sherloc (09022015). Collection method: clinical testing. Allele origin: germline. Not counted in ClinVar's aggregate classification.
Comment: This sequence change creates a premature translational stop signal (p.Lys992Asnfs*6) in the BRCA2 gene. It is expected to result in an absent or disrupted protein product. Loss-of-function variants in BRCA2 are known to be pathogenic (PMID: 20104584). This variant is not present in population databases (gnomAD no frequency). This variant has not been reported in the literature in individuals affected with BRCA2-related conditions. ClinVar contains an entry for this variant (Variation ID: 409433). For these reasons, this variant has been classified as Pathogenic.

Department of Pathology and Laboratory Medicine, Sinai Health System
Classification: Pathogenic for Familial cancer of breast; Medulloblastoma; Familial prostate cancer; Wilms tumor 1; Fanconi anemia complementation group D1; Breast-ovarian cancer, familial, susceptibility to, 2; Glioma susceptibility 3; Pancreatic cancer, susceptibility to, 2. Last evaluated: 2023-11-14. Review status: criteria provided, single submitter. Criteria: ACMG Guidelines, 2015. Collection method: clinical testing. Allele origin: germline. Affected: no. Not counted in ClinVar's aggregate classification.

Ambry Genetics
Classification: Pathogenic for Hereditary cancer-predisposing syndrome. Last evaluated: 2023-08-07. Review status: criteria provided, single submitter. Criteria: Ambry Variant Classification Scheme 2023. Collection method: clinical testing. Allele origin: germline. Not counted in ClinVar's aggregate classification.
Comment: The c.2976delA pathogenic mutation, located in coding exon 10 of the BRCA2 gene, results from a deletion of one nucleotide at nucleotide position 2976, causing a translational frameshift with a predicted alternate stop codon (p.K992Nfs*6). This variant is considered to be rare based on population cohorts in the Genome Aggregation Database (gnomAD). This alteration is expected to result in loss of function by premature protein truncation or nonsense-mediated mRNA decay. As such, this alteration is interpreted as a disease-causing mutation.

Color Diagnostics, LLC DBA Color Health
Classification: Pathogenic for Hereditary cancer-predisposing syndrome. Last evaluated: 2023-02-16. Review status: criteria provided, single submitter. Criteria: ACMG Guidelines, 2015. Collection method: clinical testing. Allele origin: germline. Not counted in ClinVar's aggregate classification.
Comment: This variant deletes 1 nucleotide in exon 11 of the BRCA2 gene, creating a frameshift and premature translation stop signal. This variant is expected to result in an absent or non-functional protein product. To our knowledge, this variant has not been reported in individuals affected with BRCA2-related disorders in the literature. This variant has not been identified in the general population by the Genome Aggregation Database (gnomAD). Loss of BRCA2 function is a known mechanism of disease. Based on the available evidence, this variant is classified as Pathogenic.

Literature cited by the submitters: PubMed 35654374 (cited by Women's Health and Genetics/Laboratory Corporation of America, LabCorp); PubMed 20104584 (cited by Labcorp Genetics (formerly Invitae), Labcorp).